The following is an entry in ClinVar:

ClinVar aggregate classification (germline): Uncertain significance (1 of 4 stars; one submission).

Submission:

Labcorp Genetics (formerly Invitae), Labcorp
Classification: Uncertain significance. Last evaluated: 2024-04-10. Review status: criteria provided, single submitter. Criteria: Invitae Variant Classification Sherloc (09022015). Collection method: clinical testing. Allele origin: germline.
Comment: This sequence change replaces aspartic acid, which is acidic and polar, with glutamic acid, which is acidic and polar, at codon 775 of the CTNNA1 protein (p.Asp775Glu). This variant is not present in population databases (gnomAD no frequency). This variant has not been reported in the literature in individuals affected with CTNNA1-related conditions. ClinVar contains an entry for this variant (Variation ID: 1020489). An algorithm developed to predict the effect of missense changes on protein structure and function (PolyPhen-2) suggests that this variant is likely to be disruptive. In summary, the available evidence is currently insufficient to determine the role of this variant in disease. Therefore, it has been classified as a Variant of Uncertain Significance.

NM_001903.5(CTNNA1):c.2325C>A (p.Asp775Glu)

Gene: CTNNA1 (catenin alpha 1; plus strand). Cytogenetic location: 5q31.2.
Variant type: single nucleotide variant.
Coding change: c.2325C>A on transcript NM_001903.5 (MANE Select); coding-DNA position 2325, C replaced by A.
Protein change: p.Asp775Glu; replaces aspartic acid 775 with glutamic acid.
Molecular consequence: missense variant. On other transcripts: intron variant (1).
Genome position (GRCh38, 1-based): chr5:138,932,604, C>A. VCF-style: chr5-138932604-C-A. GRCh37 (hg19) VCF-style: chr5-138268293-C-A.
Other names: c.2325C>A, p.Asp775Glu (NM_001290307.3, NM_001323982.2, NM_001323983.1 and 2 more transcripts); c.2016C>A, p.Asp672Glu (NM_001290309.3); c.1956C>A, p.Asp652Glu (NM_001290310.3); c.1215C>A, p.Asp405Glu (NM_001290312.1, NM_001323987.1, NM_001323988.1 and 16 more transcripts); c.2232C>A, p.Asp744Glu (NM_001323986.2); c.876C>A, p.Asp292Glu (NM_001324006.1, NM_001324007.1, NM_001324008.1 and 2 more transcripts); c.1122C>A, p.Asp374Glu (NM_001324011.1); c.972C>A, p.Asp324Glu (NM_001324012.1, NM_001324013.1); and 1 more; short protein forms D292E, D324E, D374E, D405E, D652E, D672E, D744E, D775E.
Identifiers: ClinVar variation 1020489 (VCV001020489.8), dbSNP rs1580929904, ClinGen allele CA361134331.